The following is an entry in ClinVar:

ClinVar aggregate classification (germline): Uncertain significance (1 of 4 stars; one submission).

Conditions:
Early-infantile DEE. Also called: Early infantile epileptic encephalopathy; Early infantile epileptic encephalopathy with suppression bursts; Ohtahara syndrome. Identifiers: Orphanet 1934, MedGen C0393706, MONDO:0800491.

Allele frequency attached by ClinVar (database versions not stated): gnomAD exomes below 0.00001.
gnomAD v4.1: 1 of 1,613,988 alleles (0.000062%); highest among the groups gnomAD compares: Admixed American, 0.0017%; no homozygotes.

Submission:

Labcorp Genetics (formerly Invitae), Labcorp
Classification: Uncertain significance for Early-infantile DEE. Last evaluated: 2026-01-19. Review status: criteria provided, single submitter. Criteria: Invitae Variant Classification Sherloc (09022015). Collection method: clinical testing. Allele origin: germline.
Comment: This sequence change replaces proline, which is neutral and non-polar, with serine, which is neutral and polar, at codon 665 of the HCN1 protein (p.Pro665Ser). This variant is not present in population databases (gnomAD no frequency). This variant has not been reported in the literature in individuals affected with HCN1-related conditions. ClinVar contains an entry for this variant (Variation ID: 2841135). Invitae Evidence Modeling of protein sequence and biophysical properties (such as structural, functional, and spatial information, amino acid conservation, physicochemical variation, residue mobility, and thermodynamic stability) indicates that this missense variant is not expected to disrupt HCN1 protein function with a negative predictive value of 95%. In summary, the available evidence is currently insufficient to determine the role of this variant in disease. Therefore, it has been classified as a Variant of Uncertain Significance.

NM_021072.4(HCN1):c.1993C>T (p.Pro665Ser)

Gene: HCN1 (hyperpolarization activated cyclic nucleotide gated potassium channel 1; minus strand). Cytogenetic location: 5p12.
Variant type: single nucleotide variant.
Coding change: c.1993C>T on transcript NM_021072.4 (MANE Select); coding-DNA position 1993, C replaced by T.
Protein change: p.Pro665Ser; replaces proline 665 with serine.
Molecular consequence: missense variant.
Genome position (GRCh38, 1-based): chr5:45,262,601, G>A on the plus strand (C>T on the coding strand, the complement: HCN1 is on the minus strand). VCF-style: chr5-45262601-G-A. GRCh37 (hg19) VCF-style: chr5-45262703-G-A.
Other names: short protein forms P665S.
Identifiers: ClinVar variation 2841135 (VCV002841135.3), dbSNP rs2478182769, ClinGen allele CA359704271.